The following is an entry in ClinVar:

NM_000188.3(HK1):c.592-10C>T

Gene: HK1 (hexokinase 1; plus strand). Cytogenetic location: 10q22.1.
Variant type: single nucleotide variant.
Coding change: c.592-10C>T on transcript NM_000188.3 (MANE Select); 10 bases into the intron before coding-DNA position 592, C replaced by T.
Molecular consequence: intron variant.
Genome position (GRCh38, 1-based): chr10:69,369,227, C>T. VCF-style: chr10-69369227-C-T. GRCh37 (hg19) VCF-style: chr10-71128983-C-T.
Other names: c.556-10C>T (NM_033500.2); c.697-10C>T (NM_001322365.2); c.604-10C>T (NM_033498.3, NM_033497.3, NM_001322364.2 and 1 more transcripts); c.589-10C>T (NM_033496.3); c.508-10C>T (NM_001322366.1); c.496-10C>T (NM_001322367.1); c.592-10C>T (NM_000188.2).
Identifiers: ClinVar variation 1122864 (VCV001122864.12), dbSNP rs750355459, ClinGen allele CA5532388.

ClinVar aggregate classification (germline): Likely benign. Review status: criteria provided, multiple submitters, no conflicts (2 of 4 stars). 3 submissions from 3 submitters: Likely benign (2). 1 of the submissions does not count toward it. Last evaluated 2026-01-07.

Conditions:
HK1-related disorder. Also called: HK1-related condition; HK1-related disorders.

Allele frequency attached by ClinVar (database versions not stated): gnomAD exomes 0.00002 and 0.00004; ExAC 0.00005.
gnomAD v4.1: 32 of 1,601,876 alleles (0.002%); highest among the groups gnomAD compares: South Asian, 0.025%; no homozygotes.

Submissions (3):

Labcorp Genetics (formerly Invitae), Labcorp
Classification: Likely benign. Last evaluated: 2026-01-07. Review status: criteria provided, single submitter. Criteria: Invitae Variant Classification Sherloc (09022015). Collection method: clinical testing. Allele origin: germline.

Blueprint Genetics
Classification: Likely benign. Last evaluated: 2024-03-08. Review status: criteria provided, single submitter. Criteria: ACMG Guidelines, 2015. Collection method: clinical testing. Allele origin: germline.

PreventionGenetics, part of Exact Sciences
Classification: Likely benign for HK1-related condition. Last evaluated: 2019-02-20. Review status: no assertion criteria provided. Collection method: clinical testing. Allele origin: germline. Not counted in ClinVar's aggregate classification.
Comment: This variant is classified as likely benign based on ACMG/AMP sequence variant interpretation guidelines (Richards et al. 2015 PMID: 25741868, with internal and published modifications).